The following is an entry in ClinVar:

NM_138694.4(PKHD1):c.5275G>T (p.Gly1759Ter)

Gene: PKHD1 (PKHD1 ciliary IPT domain containing fibrocystin/polyductin; minus strand). Cytogenetic location: 6p12.2.
Variant type: single nucleotide variant.
Coding change: c.5275G>T on transcript NM_138694.4 (MANE Select); coding-DNA position 5275, G replaced by T.
Protein change: p.Gly1759Ter; replaces glycine 1759 with a stop codon.
Molecular consequence: nonsense.
Genome position (GRCh38, 1-based): chr6:52,022,906, C>A on the plus strand (G>T on the coding strand, the complement: PKHD1 is on the minus strand). VCF-style: chr6-52022906-C-A. GRCh37 (hg19) VCF-style: chr6-51887704-C-A.
Other names: c.5275G>T, p.Gly1759Ter (NM_170724.3); short protein forms G1759*.
Identifiers: ClinVar variation 4816690 (VCV004816690.1).

ClinVar aggregate classification (germline): Pathogenic (1 of 4 stars; one submission).

Conditions:
Autosomal recessive polycystic kidney disease (ARPKD). Also called: AR polycystic kidney disease. Identifiers: Orphanet 731, Orphanet 8378, MedGen C0085548, MeSH D017044, MONDO:0009889.

Submission:

Natera, Inc.
Classification: Pathogenic for Autosomal recessive polycystic kidney disease. Last evaluated: 2025-06-05. Review status: criteria provided, single submitter. Criteria: Natera Variant Classification Schema (03/2026). Collection method: clinical testing. Allele origin: germline.
Comment: The c.5275G>T variant in PKHD1 is a nonsense variant predicted to introduce a stop codon at amino acid 1759. This variant is expected to result in nonsense mediated decay, truncation, or a dysfunctional protein product. This variant is rare in the general population with a frequency below the threshold expected for the associated phenotype(s). This variant has been observed in one or more individuals affected with the associated recessive disease, as either homozygous or compound heterozygous with a second variant (PMID: 37875772). Given the available evidence, this variant is classified as Pathogenic.

Literature cited by the submitters: PubMed 37875772.